The following is an entry in ClinVar:

NM_012213.3(MLYCD):c.-7G>A

Genes: MLYCD (malonyl-CoA decarboxylase; plus strand), LOC130059554 (ATAC-STARR-seq lymphoblastoid silent region 7769; plus strand). Cytogenetic location: 16q23.3.
Variant type: single nucleotide variant.
Coding change: c.-7G>A on transcript NM_012213.3 (MANE Select); 7 bases upstream of the start codon, G replaced by A.
Molecular consequence: 5 prime UTR variant.
Genome position (GRCh38, 1-based): chr16:83,899,138, G>A. VCF-style: chr16-83899138-G-A. GRCh37 (hg19) VCF-style: chr16-83932743-G-A.
Identifiers: ClinVar variation 383059 (VCV000383059.9), dbSNP rs9930103, ClinGen allele CA16607435.
Genomic context (GRCh38, chr16:83,899,138, plus strand): 5'-GCGCGCCGGAAGCCGGAAGCGCGGCAGCGGCGGCGGCGCTCCCCCTCGGCAGCTGTTGTG[G>A]GGCACCATGCGAGGCTTCGGGCCAGGCTTGACGGCCAGGCGTCTCCTCCCGCTGCGGTTG-3'

ClinVar aggregate classification (germline): Benign/Likely benign. Review status: criteria provided, multiple submitters, no conflicts (2 of 4 stars). 5 submissions from 5 submitters: Benign (1); Likely benign (3). 1 of the submissions does not count toward it. Last evaluated 2024-10-30.

Conditions:
MLYCD-related disorder. Also called: MLYCD-related condition.
Deficiency of malonyl-CoA decarboxylase. Also called: Malonic aciduria; MCD deficiency. Identifiers: Orphanet 943, MedGen C0342793, MONDO:0009556, OMIM 248360.

Allele frequency attached by ClinVar (database versions not stated): gnomAD exomes 0.00031; TOPMed 0.00567; gnomAD 0.00582 and 0.00609; 1000 Genomes Project 0.00619; 1000 Genomes Project 30x 0.00812.

Submissions (5):

Blueprint Genetics
Classification: Likely benign. Last evaluated: 2024-10-30. Review status: criteria provided, single submitter. Criteria: ACMG Guidelines, 2015. Collection method: clinical testing. Allele origin: germline.

GeneDx
Classification: Likely benign. Last evaluated: 2018-03-05. Review status: criteria provided, single submitter. Criteria: GeneDx Variant Classification (06012015). Collection method: clinical testing. Allele origin: germline. Affected: yes.
Comment: This variant is considered likely benign or benign based on one or more of the following criteria: it is a conservative change, it occurs at a poorly conserved position in the protein, it is predicted to be benign by multiple in silico algorithms, and/or has population frequency not consistent with disease.

Illumina Laboratory Services, Illumina
Classification: Benign for Deficiency of malonyl-CoA decarboxylase. Last evaluated: 2018-01-13. Review status: criteria provided, single submitter. Criteria: ICSL Variant Classification Criteria 13 December 2019. Collection method: clinical testing. Allele origin: germline.
Comment: This variant was observed in the ICSL laboratory as part of a predisposition screen in an ostensibly healthy population. It had not been previously curated by ICSL or reported in the Human Gene Mutation Database (HGMD: prior to June 1st, 2018), and was therefore a candidate for classification through an automated scoring system. Utilizing variant allele frequency, disease prevalence and penetrance estimates, and inheritance mode, an automated score was calculated to assess if this variant is too frequent to cause the disease. Based on the score and internal cut-off values, a variant classified as benign is not then subjected to further curation. The score for this variant resulted in a classification of benign for this disease.

Breakthrough Genomics
Classification: Likely benign. Review status: criteria provided, single submitter. Criteria: ACMG Guidelines, 2015. Collection method: not provided. Allele origin: germline. Inheritance: Autosomal recessive inheritance. Affected: yes.

PreventionGenetics, part of Exact Sciences
Classification: Benign for MLYCD-related condition. Last evaluated: 2019-11-09. Review status: no assertion criteria provided. Collection method: clinical testing. Allele origin: germline. Not counted in ClinVar's aggregate classification.
Comment: This variant is classified as benign based on ACMG/AMP sequence variant interpretation guidelines (Richards et al. 2015 PMID: 25741868, with internal and published modifications).